The following is an entry in ClinVar:

ClinVar aggregate classification (germline): Uncertain significance (1 of 4 stars; one submission).

Conditions:
Atrioventricular septal defect 4 (AVSD4). Identifiers: MedGen C3280781, MONDO:0013747, OMIM 614430.

Submission:

Labcorp Genetics (formerly Invitae), Labcorp
Classification: Uncertain significance for Atrioventricular septal defect 4. Last evaluated: 2020-05-27. Review status: criteria provided, single submitter. Criteria: Invitae Variant Classification Sherloc (09022015). Collection method: clinical testing. Allele origin: germline.
Comment: This sequence change replaces aspartic acid with histidine at codon 438 of the GATA4 protein (p.Asp438His). The aspartic acid residue is moderately conserved and there is a moderate physicochemical difference between aspartic acid and histidine. This variant is not present in population databases (ExAC no frequency). This variant has not been reported in the literature in individuals with GATA4-related conditions. Algorithms developed to predict the effect of missense changes on protein structure and function are either unavailable or do not agree on the potential impact of this missense change (SIFT: "Deleterious"; PolyPhen-2: "Probably Damaging"; Align-GVGD: "Class C0"). In summary, the available evidence is currently insufficient to determine the role of this variant in disease. Therefore, it has been classified as a Variant of Uncertain Significance.

NM_001308093.3(GATA4):c.1315G>C (p.Asp439His)

Gene: GATA4 (GATA binding protein 4). Cytogenetic location: 8p23.1.
Variant type: single nucleotide variant.
Coding change: c.1315G>C on transcript NM_001308093.3 (MANE Select); coding-DNA position 1315, G replaced by C.
Protein change: p.Asp439His; replaces aspartic acid 439 with histidine.
Molecular consequence: missense variant.
Genome position (GRCh38, 1-based): chr8:11,758,458, G>C. VCF-style: chr8-11758458-G-C. GRCh37 (hg19) VCF-style: chr8-11615967-G-C.
Other names: c.694G>C, p.Asp232His (NM_001308094.2, NM_001374273.1); c.568G>C, p.Asp190His (NM_001374274.1); c.1312G>C, p.Asp438His (NM_002052.5); short protein forms D190H, D232H, D438H, D439H.
Identifiers: ClinVar variation 1056141 (VCV001056141.9), dbSNP rs149351193, ClinGen allele CA370315864.